The following is an entry in ClinVar:

ClinVar aggregate classification (germline): Conflicting classifications of pathogenicity. Review status: criteria provided, conflicting classifications (1 of 4 stars). 3 submissions from 3 submitters: Uncertain significance (2); Likely benign (1). Last evaluated 2023-12-19.

Conditions:
Inborn genetic diseases. Identifiers: MedGen C0950123, MeSH D030342.

Submissions (3):

Ambry Genetics
Classification: Likely benign for Inborn genetic diseases. Last evaluated: 2023-12-19. Review status: criteria provided, single submitter. Criteria: Ambry Variant Classification Scheme 2023. Collection method: clinical testing. Allele origin: germline.

Blueprint Genetics
Classification: Uncertain significance. Last evaluated: 2023-10-25. Review status: criteria provided, single submitter. Criteria: ACMG Guidelines, 2015. Collection method: clinical testing. Allele origin: germline.

Labcorp Genetics (formerly Invitae), Labcorp
Classification: Uncertain significance. Last evaluated: 2022-08-15. Review status: criteria provided, single submitter. Criteria: Invitae Variant Classification Sherloc (09022015). Collection method: clinical testing. Allele origin: germline.
Comment: This sequence change replaces proline, which is neutral and non-polar, with leucine, which is neutral and non-polar, at codon 296 of the PLOD3 protein (p.Pro296Leu). This variant is present in population databases (rs143577626, gnomAD 0.04%). This variant has not been reported in the literature in individuals affected with PLOD3-related conditions. ClinVar contains an entry for this variant (Variation ID: 1445518). Algorithms developed to predict the effect of missense changes on protein structure and function (SIFT, PolyPhen-2, Align-GVGD) all suggest that this variant is likely to be disruptive. In summary, the available evidence is currently insufficient to determine the role of this variant in disease. Therefore, it has been classified as a Variant of Uncertain Significance.

NM_001084.5(PLOD3):c.887C>T (p.Pro296Leu)

Gene: PLOD3 (procollagen-lysine,2-oxoglutarate 5-dioxygenase 3; minus strand). Cytogenetic location: 7q22.1.
Variant type: single nucleotide variant.
Coding change: c.887C>T on transcript NM_001084.5 (MANE Select); coding-DNA position 887, C replaced by T.
Protein change: p.Pro296Leu; replaces proline 296 with leucine.
Molecular consequence: missense variant.
Genome position (GRCh38, 1-based): chr7:101,212,648, G>A on the plus strand (C>T on the coding strand, the complement: PLOD3 is on the minus strand). VCF-style: chr7-101212648-G-A. GRCh37 (hg19) VCF-style: chr7-100855929-G-A.
Other names: c.887C>T (NM_001084.4); short protein forms P296L.
Identifiers: ClinVar variation 1445518 (VCV001445518.5), dbSNP rs143577626, ClinGen allele CA4407950.